The following is an entry in ClinVar:

ClinVar aggregate classification (germline): Uncertain significance (1 of 4 stars; one submission).

Allele frequency attached by ClinVar (database versions not stated): TOPMed 0.00001; gnomAD exomes below 0.00001.
gnomAD v4.1: 6 of 1,614,006 alleles (0.00037%); highest among the groups gnomAD compares: Non-Finnish European, 0.00051%; no homozygotes.

Submission:

Labcorp Genetics (formerly Invitae), Labcorp
Classification: Uncertain significance. Last evaluated: 2022-07-05. Review status: criteria provided, single submitter. Criteria: Invitae Variant Classification Sherloc (09022015). Collection method: clinical testing. Allele origin: germline.
Comment: This sequence change replaces lysine, which is basic and polar, with arginine, which is basic and polar, at codon 433 of the TTC37 protein (p.Lys433Arg). This variant is present in population databases (no rsID available, gnomAD 0.0009%). This variant has not been reported in the literature in individuals affected with TTC37-related conditions. ClinVar contains an entry for this variant (Variation ID: 1466718). Algorithms developed to predict the effect of missense changes on protein structure and function output the following: SIFT: "Tolerated"; PolyPhen-2: "Benign"; Align-GVGD: "Class C0". The arginine amino acid residue is found in multiple mammalian species, which suggests that this missense change does not adversely affect protein function. Algorithms developed to predict the effect of sequence changes on RNA splicing suggest that this variant may create or strengthen a splice site. In summary, the available evidence is currently insufficient to determine the role of this variant in disease. Therefore, it has been classified as a Variant of Uncertain Significance.

NM_014639.4(SKIC3):c.1298A>G (p.Lys433Arg)

Gene: SKIC3 (SKI3 subunit of superkiller complex; minus strand). Cytogenetic location: 5q15.
Variant type: single nucleotide variant.
Coding change: c.1298A>G on transcript NM_014639.4 (MANE Select); coding-DNA position 1298, A replaced by G.
Protein change: p.Lys433Arg; replaces lysine 433 with arginine.
Molecular consequence: missense variant.
Genome position (GRCh38, 1-based): chr5:95,525,425, T>C on the plus strand (A>G on the coding strand, the complement: SKIC3 is on the minus strand). VCF-style: chr5-95525425-T-C. GRCh37 (hg19) VCF-style: chr5-94861129-T-C.
Other names: short protein forms K433R.
Identifiers: ClinVar variation 1466718 (VCV001466718.5), dbSNP rs1455780802, ClinGen allele CA360464616.